The following is an entry in ClinVar:

NM_001854.4(COL11A1):c.3756_3762+1del

Gene: COL11A1 (collagen type XI alpha 1 chain; minus strand). Cytogenetic location: 1p21.1.
Variant type: Deletion.
Coding change: c.3756_3762+1del on transcript NM_001854.4 (MANE Select); coding-DNA position 3756 through the canonical splice donor site of the intron after coding-DNA position 3762, 8 bases deleted (AGAAAAGG; older notation c.3756_3762+1delAGAAAAGG).
Molecular consequence: splice donor variant.
Genome position (GRCh38, 1-based): chr1:102,920,310-102,920,317, CCTTTTCT deleted on the plus strand (AGAAAAGG on the coding strand, the reverse complement: COL11A1 is on the minus strand); deleting any 8 consecutive bases within chr1:102,920,310-102,920,319 gives the same sequence; the c. name uses the placement nearest the transcript's 3' end. VCF-style (leftmost placement, unchanged base first): chr1-102920309-ACCTTTTCT-A. GRCh37 (hg19) VCF-style: chr1-103385865-ACCTTTTCT-A.
Other names: c.3639_3645+1del (NM_001190709.2); c.3792_3798+1del (NM_080629.3); c.3408_3414+1del (NM_080630.4).
Identifiers: ClinVar variation 3347290 (VCV003347290.1).

ClinVar aggregate classification (germline): Likely pathogenic (0 of 4 stars; one submission).

Conditions:
COL11A1-related disorder. Also called: COL11A1-related disorders; COL11A1-related condition.

Submission:

PreventionGenetics, part of Exact Sciences
Classification: Likely pathogenic for COL11A1-related condition. Last evaluated: 2024-09-26. Review status: no assertion criteria provided. Collection method: clinical testing. Allele origin: germline.
Comment: The COL11A1 c.3756_3762+1del8 variant is predicted to result in a deletion affecting a canonical splice site. To our knowledge, this variant has not been reported in the literature or in a large population database, indicating this variant is rare. A similar nearby variant has been reported in a patient with Stickler syndrome (Patient 5 in Khan. 2021. PubMed ID: 33951325, described as c.3408_3414del; p.(Glu1137Valfs*17). Variants that disrupt the splice consensus site are expected to be pathogenic. The c.3756_3762+1del8 variant is interpreted as likely pathogenic.